The following is an entry in ClinVar:

NM_017635.5(KMT5B):c.797G>A (p.Gly266Asp)

Gene: KMT5B (lysine methyltransferase 5B; minus strand). Cytogenetic location: 11q13.2.
Variant type: single nucleotide variant.
Coding change: c.797G>A on transcript NM_017635.5 (MANE Select); coding-DNA position 797, G replaced by A.
Protein change: p.Gly266Asp; replaces glycine 266 with aspartic acid.
Molecular consequence: missense variant. On other transcripts: non-coding transcript variant (2).
Genome position (GRCh38, 1-based): chr11:68,171,566, C>T on the plus strand (G>A on the coding strand, the complement: KMT5B is on the minus strand). VCF-style: chr11-68171566-C-T. GRCh37 (hg19) VCF-style: chr11-67939033-C-T.
Other names: c.281G>A, p.Gly94Asp (NM_001300907.1, NM_001369424.1, NM_001369428.1 and 5 more transcripts); c.77G>A, p.Gly26Asp (NM_001300908.2); c.728G>A, p.Gly243Asp (NM_001300909.2); c.797G>A, p.Gly266Asp (NM_001363566.2, NM_001369426.1, NM_001369427.1 and 1 more transcripts); c.584G>A, p.Gly195Asp (NM_001369425.1); short protein forms G195D, G243D, G266D, G26D, G94D.
Identifiers: ClinVar variation 3573863 (VCV003573863.1).

ClinVar aggregate classification (germline): Uncertain significance (1 of 4 stars; one submission).

Submission:

GeneDx
Classification: Uncertain significance. Last evaluated: 2024-07-17. Review status: criteria provided, single submitter. Criteria: GeneDx Variant Classification Process June 2021. Collection method: clinical testing. Allele origin: germline. Affected: yes.
Comment: Not observed at significant frequency in large population cohorts (gnomAD); In silico analysis supports that this missense variant has a deleterious effect on protein structure/function; Has not been previously published as pathogenic or benign to our knowledge